The following is an entry in ClinVar:

ClinVar aggregate classification (germline): Uncertain significance. Review status: criteria provided, multiple submitters, no conflicts (2 of 4 stars). 2 submissions from 2 submitters: Uncertain significance (2). Last evaluated 2025-09-30.

Conditions:
Hereditary cancer-predisposing syndrome. Also called: Tumor predisposition; Hereditary neoplastic syndrome; Neoplastic Syndromes, Hereditary; Hereditary Cancer Syndrome. Identifiers: Orphanet 140162, MedGen C0027672, MeSH D009386, MONDO:0015356.
Tuberous sclerosis 2 (TSC2). Identifiers: Orphanet 805, MedGen C1860707, MONDO:0013199, OMIM 613254.

gnomAD v4.1: 2 of 1,614,068 alleles (0.00012%); highest among the groups gnomAD compares: South Asian, 0.0011%; no homozygotes.

Submissions (2):

Ambry Genetics
Classification: Uncertain significance for Hereditary cancer-predisposing syndrome. Last evaluated: 2025-09-30. Review status: criteria provided, single submitter. Criteria: Ambry Variant Classification Scheme 2023. Collection method: clinical testing. Allele origin: germline.
Comment: The p.C738Y variant (also known as c.2213G>A), located in coding exon 19 of the TSC2 gene, results from a G to A substitution at nucleotide position 2213. The cysteine at codon 738 is replaced by tyrosine, an amino acid with highly dissimilar properties. This amino acid position is highly conserved in available vertebrate species. In addition, this alteration is predicted to be deleterious by in silico analysis. Based on the available evidence, the clinical significance of this variant remains unclear.

Labcorp Genetics (formerly Invitae), Labcorp
Classification: Uncertain significance for Tuberous sclerosis 2. Last evaluated: 2022-09-14. Review status: criteria provided, single submitter. Criteria: Invitae Variant Classification Sherloc (09022015). Collection method: clinical testing. Allele origin: germline.
Comment: In summary, the available evidence is currently insufficient to determine the role of this variant in disease. Therefore, it has been classified as a Variant of Uncertain Significance. Advanced modeling of protein sequence and biophysical properties (such as structural, functional, and spatial information, amino acid conservation, physicochemical variation, residue mobility, and thermodynamic stability) performed at Invitae indicates that this missense variant is not expected to disrupt TSC2 protein function. ClinVar contains an entry for this variant (Variation ID: 1499028). This variant has not been reported in the literature in individuals affected with TSC2-related conditions. This variant is not present in population databases (gnomAD no frequency). This sequence change replaces cysteine, which is neutral and slightly polar, with tyrosine, which is neutral and polar, at codon 738 of the TSC2 protein (p.Cys738Tyr).

NM_000548.5(TSC2):c.2213G>A (p.Cys738Tyr)

Gene: TSC2 (TSC complex subunit 2; plus strand). Cytogenetic location: 16p13.3.
Variant type: single nucleotide variant.
Coding change: c.2213G>A on transcript NM_000548.5 (MANE Select); coding-DNA position 2213, G replaced by A.
Protein change: p.Cys738Tyr; replaces cysteine 738 with tyrosine.
Molecular consequence: missense variant.
Genome position (GRCh38, 1-based): chr16:2,072,356, G>A. VCF-style: chr16-2072356-G-A. GRCh37 (hg19) VCF-style: chr16-2122357-G-A.
Other names: c.2213G>A, p.Cys738Tyr (NM_001370404.1, NM_001370405.1, NM_021055.3 and 3 more transcripts); c.2102G>A, p.Cys701Tyr (NM_001318827.2); c.2066G>A, p.Cys689Tyr (NM_001318829.2); c.1613G>A, p.Cys538Tyr (NM_001318831.2); c.2246G>A, p.Cys749Tyr (NM_001318832.2); c.2213G>A (NM_000548.3); short protein forms C538Y, C738Y, C689Y, C701Y, C749Y.
Identifiers: ClinVar variation 1499028 (VCV001499028.9), dbSNP rs2151319643, ClinGen allele CA394275140.